The following is an entry in ClinVar:

NM_053025.4(MYLK):c.1173C>G (p.Ser391Arg)

Gene: MYLK (myosin light chain kinase; minus strand). Cytogenetic location: 3q21.1.
Variant type: single nucleotide variant.
Coding change: c.1173C>G on transcript NM_053025.4 (MANE Select); coding-DNA position 1173, C replaced by G.
Protein change: p.Ser391Arg; replaces serine 391 with arginine.
Molecular consequence: missense variant.
Genome position (GRCh38, 1-based): chr3:123,733,823, G>C on the plus strand (C>G on the coding strand, the complement: MYLK is on the minus strand). VCF-style: chr3-123733823-G-C. GRCh37 (hg19) VCF-style: chr3-123452670-G-C.
Other names: c.1173C>G, p.Ser391Arg (NM_053027.4, NM_053028.4, NM_053026.4); c.645C>G, p.Ser215Arg (NM_001321309.2); short protein forms S215R, S391R.
Identifiers: ClinVar variation 993805 (VCV000993805.13), dbSNP rs375747284, ClinGen allele CA066770.

ClinVar aggregate classification (germline): Uncertain significance. Review status: criteria provided, multiple submitters, no conflicts (2 of 4 stars). 3 submissions from 3 submitters: Uncertain significance (3). Last evaluated 2026-07-01.

Conditions:
Familial thoracic aortic aneurysm and aortic dissection (TAAD). Also called: Thoracic aortic aneurysms and dissections. Identifiers: Orphanet 91387, MedGen C4707243, MONDO:0019625.

Allele frequency attached by ClinVar (database versions not stated): ExAC 0.00002; gnomAD exomes 0.00001 and below 0.00001; TOPMed 0.00006; ESP Exome Variant Server 0.00008.
gnomAD v4.1: 20 of 1,614,072 alleles (0.0012%); highest among the groups gnomAD compares: African/African-American, 0.0027%; no homozygotes.

Submissions (3):

Ambry Genetics
Classification: Uncertain significance for Familial thoracic aortic aneurysm and aortic dissection. Last evaluated: 2026-07-01. Review status: criteria provided, single submitter. Criteria: Ambry Variant Classification Scheme 2023. Collection method: clinical testing. Allele origin: germline.
Comment: The p.S391R variant (also known as c.1173C>G), located in coding exon 7 of the MYLK gene, results from a C to G substitution at nucleotide position 1173. The serine at codon 391 is replaced by arginine, an amino acid with dissimilar properties. This amino acid position is conserved. In addition, this alteration is predicted to be tolerated by in silico analysis. Based on the available evidence, the clinical significance of this variant remains unclear.

GeneDx
Classification: Uncertain significance. Last evaluated: 2022-04-22. Review status: criteria provided, single submitter. Criteria: GeneDx Variant Classification Process June 2021. Collection method: clinical testing. Allele origin: germline. Affected: yes.
Comment: Has not been previously published as pathogenic or benign to our knowledge; Not observed at significant frequency in large population cohorts (gnomAD); In silico analysis supports that this missense variant does not alter protein structure/function

ARUP Laboratories, Molecular Genetics and Genomics, ARUP Laboratories
Classification: Uncertain significance. Last evaluated: 2019-10-13. Review status: criteria provided, single submitter. Criteria: ARUP Molecular Germline Variant Investigation Process. Collection method: clinical testing. Allele origin: germline.
Comment: The MYLK c.1173C>G; p.Ser391Arg variant (rs375747284), to our knowledge, is not reported in the medical literature or gene-specific databases. This variant is found on only two chromosomes (2/282496 alleles) in the Genome Aggregation Database. The serine at codon 391 is weakly conserved, but computational analyses (SIFT: damaging, PolyPhen-2: benign) predict conflicting effects of this variant on protein structure/function. Due to limited information, the clinical significance of the p.Ser391Arg variant is uncertain at this time.